The following is an entry in ClinVar:

ClinVar aggregate classification (germline): Uncertain significance (1 of 4 stars; one submission).

Conditions:
Cardiovascular phenotype. Identifiers: MedGen CN230736.

Submission:

Ambry Genetics
Classification: Uncertain significance for Cardiovascular phenotype. Last evaluated: 2025-06-10. Review status: criteria provided, single submitter. Criteria: Ambry Variant Classification Scheme 2023. Collection method: clinical testing. Allele origin: germline.
Comment: The p.Q165L variant (also known as c.494A>T), located in coding exon 4 of the ABCG5 gene, results from an A to T substitution at nucleotide position 494. The glutamine at codon 165 is replaced by leucine, an amino acid with dissimilar properties. This amino acid position is conserved. In addition, this alteration is predicted to be tolerated by in silico analysis. Based on the available evidence, the clinical significance of this variant remains unclear.

NM_022436.3(ABCG5):c.494A>T (p.Gln165Leu)

Gene: ABCG5 (ATP binding cassette subfamily G member 5; minus strand). Cytogenetic location: 2p21.
Variant type: single nucleotide variant.
Coding change: c.494A>T on transcript NM_022436.3 (MANE Select); coding-DNA position 494, A replaced by T.
Protein change: p.Gln165Leu; replaces glutamine 165 with leucine.
Molecular consequence: missense variant.
Genome position (GRCh38, 1-based): chr2:43,831,776, T>A on the plus strand (A>T on the coding strand, the complement: ABCG5 is on the minus strand). VCF-style: chr2-43831776-T-A. GRCh37 (hg19) VCF-style: chr2-44058915-T-A.
Other names: short protein forms Q165L.
Identifiers: ClinVar variation 3992571 (VCV003992571.1).